The following is an entry in ClinVar:

ClinVar aggregate classification (germline): Uncertain significance. Review status: criteria provided, multiple submitters, no conflicts (2 of 4 stars). 2 submissions from 2 submitters: Uncertain significance (2). Last evaluated 2022-09-20.

Conditions:
Inborn genetic diseases. Identifiers: MedGen C0950123, MeSH D030342.

Submissions (2):

GeneDx
Classification: Uncertain significance. Last evaluated: 2022-09-20. Review status: criteria provided, single submitter. Criteria: GeneDx Variant Classification Process June 2021. Collection method: clinical testing. Allele origin: germline. Affected: yes.
Comment: Not observed at significant frequency in large population cohorts (gnomAD); In silico analysis supports that this missense variant does not alter protein structure/function; Has not been previously published as pathogenic or benign to our knowledge

Ambry Genetics
Classification: Uncertain significance for Inborn genetic diseases. Last evaluated: 2022-03-29. Review status: criteria provided, single submitter. Criteria: Ambry Variant Classification Scheme 2023. Collection method: clinical testing. Allele origin: germline.

NM_138694.4(PKHD1):c.8143G>T (p.Val2715Leu)

Gene: PKHD1 (PKHD1 ciliary IPT domain containing fibrocystin/polyductin; minus strand). Cytogenetic location: 6p12.2.
Variant type: single nucleotide variant.
Coding change: c.8143G>T on transcript NM_138694.4 (MANE Select); coding-DNA position 8143, G replaced by T.
Protein change: p.Val2715Leu; replaces valine 2715 with leucine.
Molecular consequence: missense variant.
Genome position (GRCh38, 1-based): chr6:51,836,434, C>A on the plus strand (G>T on the coding strand, the complement: PKHD1 is on the minus strand). VCF-style: chr6-51836434-C-A. GRCh37 (hg19) VCF-style: chr6-51701232-C-A.
Other names: c.8143G>T, p.Val2715Leu (NM_170724.3); short protein forms V2715L.
Identifiers: ClinVar variation 2280532 (VCV002280532.3), dbSNP rs1471666922, ClinGen allele CA364425958.
Genomic context (GRCh38, chr6:51,836,434, plus strand): 5'-GACACTTCTACTTCGTGTGTTAATACTCACCTGAAATAGTTGGGGGCATACCTTCCTTCA[C>A]CCGGAGAATGACTTGAACTTGGCCTTCACCTGAAACTAAATACCAAAAGCCACAACTTGC-3'
Protein context (NP_619639.3, residues 2705-2725): GEGQVQVILR[Val2715Leu]KEGMPPTISA